The following is an entry in ClinVar:

ClinVar aggregate classification (germline): Pathogenic. Review status: criteria provided, multiple submitters, no conflicts (2 of 4 stars). 5 submissions from 5 submitters: Pathogenic (3). 2 of the submissions do not count toward it. Last evaluated 2025-10-22.

Conditions:
NALCN-related disorder. Also called: NALCN-related disorders; NALCN-related condition.
Congenital contractures of the limbs and face, hypotonia, and developmental delay (CLIFAHDD). Identifiers: Orphanet 562528, MedGen C4225398, MONDO:0014556, OMIM 616266.
Hypotonia, infantile, with psychomotor retardation and characteristic facies 1 (INNFD). Identifiers: Orphanet 371364, Orphanet 700336, MedGen C3809454, MONDO:0024567, OMIM 615419.

Allele frequency attached by ClinVar (database versions not stated): gnomAD exomes below 0.00001.
gnomAD v4.1: 3 of 1,613,336 alleles (0.00019%); highest among the groups gnomAD compares: Admixed American, 0.0017%; no homozygotes.

Submissions (5):

Variantyx, Inc.
Classification: Pathogenic for Hypotonia, infantile, with psychomotor retardation and characteristic facies 1. Last evaluated: 2025-10-22. Review status: criteria provided, single submitter. Criteria: Variantyx Assertion Criteria 2022. Collection method: clinical testing. Allele origin: germline. Inheritance: Autosomal recessive inheritance. Affected: no.
Comment: This is a nonsense variant in the NALCN gene (OMIM: 611549). Pathogenic variants in this gene have been associated with autosomal recessive infantile hypotonia with psychomotor delay and characteristic facies 1. This variant introduces a premature termination codon in exon 37 out of 44 and is expected to result in loss of function, which is a known disease mechanism for NALCN in this disorder (PVS1). This variant has been identified in the homozygous state in at least two individuals reported in the published literature (PMID: 30167850, 27848944) (PM3_Strong). It has a 0.0022% maximum allele frequency in non-founder control populations (PM2). Based on the current evidence, this variant is classified as pathogenic for autosomal recessive infantile hypotonia with psychomotor delay and characteristic facies 1.N

Genomic Medicine Center of Excellence, King Faisal Specialist Hospital and Research Centre
Classification: Pathogenic for Congenital contractures of the limbs and face, hypotonia, and developmental delay. Last evaluated: 2024-03-14. Review status: criteria provided, single submitter. Criteria: ACMG Guidelines, 2015. Collection method: research. Allele origin: germline.

Rady Children's Institute for Genomic Medicine, Rady Children's Hospital San Diego
Classification: Pathogenic for NALCN-related disorders. Review status: criteria provided, single submitter. Criteria: ACMG Guidelines, 2015. Collection method: clinical testing. Allele origin: germline. Affected: yes.
Comment: This nonsense variant found in exon 37 of 44 is predicted to result in loss of normal protein function through either protein truncation or nonsense-mediated mRNA decay (NMD). This variant has been previously reported as a homozygous change in patients with hypotonia and neurodevelopmental delay (PMID: 30167850). The c.4150C>T (p.Arg1384Ter) variant is present in the heterozygous state in the gnomAD population database at a frequency of 0.0004% (1/250802) and is absent in the homozygous state, thus is presumed to be rare. Based on the available evidence, the c.4150C>T (p.Arg1384Ter) variant is classified as Pathogenic.

Yale Center for Mendelian Genomics, Yale University
Classification: Pathogenic for Hypotonia, infantile, with psychomotor retardation and characteristic facies 1. Last evaluated: 2018-08-23. Review status: no assertion criteria provided. Collection method: literature only. Allele origin: germline. Affected: yes. Observed: 1 homozygote. Not counted in ClinVar's aggregate classification.

Hong-Tao Li Lab, Institute of Brain Science and Brain-inspired Research, Shandong First Medical University & Shandong Academy of Medical Sciences China
Classification: Pathogenic for Congenital contractures of the limbs and face, hypotonia, and developmental delay. Review status: no assertion criteria provided. Collection method: research. Allele origin: germline. Inheritance: Autosomal dominant inheritance. Affected: yes. Observed: 1 variant allele, 1 heterozygote. Not counted in ClinVar's aggregate classification.
Comment: Observed in affected individuals from a Pakistani neurodevelopmental-disorder research cohort of 263 individuals. Classification assigned using the ACMG/AMP framework. Population-frequency evidence: gnomAD AF 3.987e-06.

Literature cited by the submitters: PubMed 30167850 (cited by Variantyx, Inc. and Yale Center for Mendelian Genomics, Yale University); PubMed 27848944 (cited by Variantyx, Inc.).

NM_052867.4(NALCN):c.4150C>T (p.Arg1384Ter)

Gene: NALCN (sodium leak channel, non-selective; minus strand). Cytogenetic location: 13q32.3.
Variant type: single nucleotide variant.
Coding change: c.4150C>T on transcript NM_052867.4 (MANE Select); coding-DNA position 4150, C replaced by T.
Protein change: p.Arg1384Ter; replaces arginine 1384 with a stop codon.
Molecular consequence: nonsense.
Genome position (GRCh38, 1-based): chr13:101,073,631, G>A on the plus strand (C>T on the coding strand, the complement: NALCN is on the minus strand). VCF-style: chr13-101073631-G-A. GRCh37 (hg19) VCF-style: chr13-101725983-G-A.
Other names: c.4237C>T (NM_001350748.1); c.4237C>T, p.Arg1413Ter (NM_001350748.2); c.4150C>T, p.Arg1384Ter (NM_001350749.2); c.4063C>T, p.Arg1355Ter (NM_001350750.2, NM_001350751.2); short protein forms R1384*, R1413*, R1355*.
Identifiers: ClinVar variation 684708 (VCV000684708.6), dbSNP rs1031314447, ClinGen allele CA255402342.